The following is an entry in ClinVar:

ClinVar aggregate classification (germline): Uncertain significance (1 of 4 stars; one submission).

Submission:

Labcorp Genetics (formerly Invitae), Labcorp
Classification: Uncertain significance. Last evaluated: 2025-02-13. Review status: criteria provided, single submitter. Criteria: Invitae Variant Classification Sherloc (09022015). Collection method: clinical testing. Allele origin: germline.
Comment: This sequence change replaces valine, which is neutral and non-polar, with alanine, which is neutral and non-polar, at codon 1403 of the TECTA protein (p.Val1403Ala). This variant is not present in population databases (gnomAD no frequency). This variant has not been reported in the literature in individuals affected with TECTA-related conditions. Invitae Evidence Modeling of protein sequence and biophysical properties (such as structural, functional, and spatial information, amino acid conservation, physicochemical variation, residue mobility, and thermodynamic stability) indicates that this missense variant is not expected to disrupt TECTA protein function with a negative predictive value of 95%. In summary, the available evidence is currently insufficient to determine the role of this variant in disease. Therefore, it has been classified as a Variant of Uncertain Significance.

NM_005422.4(TECTA):c.4208T>C (p.Val1403Ala)

Genes: TBCEL-TECTA (TBCEL-TECTA readthrough; plus strand), TECTA (tectorin alpha; plus strand). Cytogenetic location: 11q23.3.
Variant type: single nucleotide variant.
Coding change: c.4208T>C on transcript NM_005422.4 (MANE Select); coding-DNA position 4208, T replaced by C.
Protein change: p.Val1403Ala; replaces valine 1403 with alanine.
Molecular consequence: missense variant.
Genome position (GRCh38, 1-based): chr11:121,152,983, T>C. VCF-style: chr11-121152983-T-C. GRCh37 (hg19) VCF-style: chr11-121023692-T-C.
Other names: c.5165T>C, p.Val1722Ala (NM_001378761.1); short protein forms V1403A, V1722A.
Identifiers: ClinVar variation 4800638 (VCV004800638.1).